The following is an entry in ClinVar:

NM_001009944.3(PKD1):c.10574G>T (p.Gly3525Val)

Genes: PKD1 (polycystin 1, transient receptor potential channel interacting; minus strand), PKD1-AS1 (PKD1 antisense RNA 1; plus strand). Cytogenetic location: 16p13.3.
Variant type: single nucleotide variant.
Coding change: c.10574G>T on transcript NM_001009944.3 (MANE Select); coding-DNA position 10574, G replaced by T.
Protein change: p.Gly3525Val; replaces glycine 3525 with valine.
Molecular consequence: missense variant.
Genome position (GRCh38, 1-based): chr16:2,094,136, C>A on the plus strand (G>T on the coding strand, the complement: PKD1 is on the minus strand). VCF-style: chr16-2094136-C-A. GRCh37 (hg19) VCF-style: chr16-2144137-C-A.
Other names: c.10571G>T, p.Gly3524Val (NM_000296.4); c.10574G>T (NM_001009944.2); short protein forms G3524V, G3525V.
Identifiers: ClinVar variation 994664 (VCV000994664.3), dbSNP rs114523369, ClinGen allele CA7829518.

ClinVar aggregate classification (germline): Uncertain significance. Review status: criteria provided, single submitter (1 of 4 stars). 2 submissions from 2 submitters: Uncertain significance (1). 1 of the submissions does not count toward it. Last evaluated 2020-07-14.

Conditions:
PKD1-related disorder. Also called: PKD1-related condition.

Allele frequency attached by ClinVar (database versions not stated): 1000 Genomes Project 30x 0.00016; TOPMed 0.00016; ESP Exome Variant Server 0.00023.
gnomAD v4.1: 458 of 1,597,210 alleles (0.029%); highest among the groups gnomAD compares: Non-Finnish European, 0.037%; no homozygotes.

Submissions (2):

Athena Diagnostics
Classification: Uncertain significance. Last evaluated: 2020-07-14. Review status: criteria provided, single submitter. Criteria: Athena Diagnostics Criteria. Collection method: clinical testing. Allele origin: unknown.

PreventionGenetics, part of Exact Sciences
Classification: Uncertain significance for PKD1-related condition. Last evaluated: 2024-02-14. Review status: no assertion criteria provided. Collection method: clinical testing. Allele origin: germline. Not counted in ClinVar's aggregate classification.
Comment: The PKD1 c.10574G>T variant is predicted to result in the amino acid substitution p.Gly3525Val. To our knowledge, this variant has not been reported in the literature. This variant is reported in 0.028% of alleles in individuals of European (Non-Finnish) descent in gnomAD. Although we suspect that this variant may be benign, at this time, the clinical significance of this variant is uncertain due to the absence of conclusive functional and genetic evidence.